The following is an entry in ClinVar:

NM_003722.5(TP63):c.1106A>G (p.Lys369Arg)

Gene: TP63 (tumor protein p63; plus strand). Cytogenetic location: 3q28.
Variant type: single nucleotide variant.
Coding change: c.1106A>G on transcript NM_003722.5 (MANE Select); coding-DNA position 1106, A replaced by G.
Protein change: p.Lys369Arg; replaces lysine 369 with arginine.
Molecular consequence: missense variant.
Genome position (GRCh38, 1-based): chr3:189,868,693, A>G. VCF-style: chr3-189868693-A-G. GRCh37 (hg19) VCF-style: chr3-189586482-A-G.
Other names: c.1106A>G, p.Lys369Arg (NM_001114978.2, NM_001114979.2, NM_001329144.2 and 1 more transcripts); c.824A>G, p.Lys275Arg (NM_001114980.2, NM_001114981.2, NM_001114982.2 and 2 more transcripts); c.569A>G, p.Lys190Arg (NM_001329146.2, NM_001329150.2); c.1100A>G, p.Lys367Arg (NM_001329964.2); short protein forms K190R, K275R, K367R, K369R.
Identifiers: ClinVar variation 2893708 (VCV002893708.2), dbSNP rs772847941, ClinGen allele CA2752339.

ClinVar aggregate classification (germline): Uncertain significance (1 of 4 stars; one submission).

Conditions:
TP63-Related Spectrum Disorders.

Allele frequency attached by ClinVar (database versions not stated): gnomAD exomes below 0.00001; TOPMed below 0.00001; ExAC 0.00001; gnomAD 0.00001.
gnomAD v4.1: 3 of 1,613,976 alleles (0.00019%); highest among the groups gnomAD compares: East Asian, 0.0022%; no homozygotes.

Submission:

Labcorp Genetics (formerly Invitae), Labcorp
Classification: Uncertain significance. Last evaluated: 2023-03-10. Review status: criteria provided, single submitter. Criteria: Invitae Variant Classification Sherloc (09022015). Collection method: clinical testing. Allele origin: germline.
Comment: In summary, the available evidence is currently insufficient to determine the role of this variant in disease. Therefore, it has been classified as a Variant of Uncertain Significance. Advanced modeling of protein sequence and biophysical properties (such as structural, functional, and spatial information, amino acid conservation, physicochemical variation, residue mobility, and thermodynamic stability) has been performed at Invitae for this missense variant, however the output from this modeling did not meet the statistical confidence thresholds required to predict the impact of this variant on TP63 protein function. This variant has not been reported in the literature in individuals affected with TP63-related conditions. This variant is present in population databases (rs772847941, gnomAD 0.003%). This sequence change replaces lysine, which is basic and polar, with arginine, which is basic and polar, at codon 369 of the TP63 protein (p.Lys369Arg).